The following is an entry in ClinVar:

ClinVar aggregate classification (germline): Uncertain significance (1 of 4 stars; one submission).

Allele frequency attached by ClinVar (database versions not stated): gnomAD exomes below 0.00001.
gnomAD v4.1: 2 of 1,614,218 alleles (0.00012%); highest among the groups gnomAD compares: Admixed American, 0.0017%; no homozygotes.

Submission:

Labcorp Genetics (formerly Invitae), Labcorp
Classification: Uncertain significance. Last evaluated: 2022-08-06. Review status: criteria provided, single submitter. Criteria: Invitae Variant Classification Sherloc (09022015). Collection method: clinical testing. Allele origin: germline.
Comment: In summary, the available evidence is currently insufficient to determine the role of this variant in disease. Therefore, it has been classified as a Variant of Uncertain Significance. Algorithms developed to predict the effect of missense changes on protein structure and function are either unavailable or do not agree on the potential impact of this missense change (SIFT: "Deleterious"; PolyPhen-2: "Possibly Damaging"; Align-GVGD: "Class C0"). This variant has not been reported in the literature in individuals affected with DHCR24-related conditions. This variant is not present in population databases (gnomAD no frequency). This sequence change replaces methionine, which is neutral and non-polar, with isoleucine, which is neutral and non-polar, at codon 484 of the DHCR24 protein (p.Met484Ile).

NM_014762.4(DHCR24):c.1452G>A (p.Met484Ile)

Gene: DHCR24 (24-dehydrocholesterol reductase; minus strand). Cytogenetic location: 1p32.3.
Variant type: single nucleotide variant.
Coding change: c.1452G>A on transcript NM_014762.4 (MANE Select); coding-DNA position 1452, G replaced by A.
Protein change: p.Met484Ile; replaces methionine 484 with isoleucine.
Molecular consequence: missense variant.
Genome position (GRCh38, 1-based): chr1:54,852,332, C>T on the plus strand (G>A on the coding strand, the complement: DHCR24 is on the minus strand). VCF-style: chr1-54852332-C-T. GRCh37 (hg19) VCF-style: chr1-55318005-C-T.
Other names: short protein forms M484I.
Identifiers: ClinVar variation 1966827 (VCV001966827.5), dbSNP rs2524694143, ClinGen allele CA340469441.
Genomic context (GRCh38, chr1:54,852,332, plus strand): 5'-GGGGAAGGCGTCCTGGCAACCCAGCTTCTCTCGCAGCTTGTGGTACAAGGAGCCATCAAA[C>T]ATCTCCCAGAACTCCTCCCGGTTCATGTAGCAGTCGGCATACAGCATCTGGAAGCTGCAG-3'
Protein context (NP_055577.1, residues 474-494): CYMNREEFWE[Met484Ile]FDGSLYHKLR